The following is an entry in ClinVar:

NM_152564.5(VPS13B):c.1843+10T>C

Gene: VPS13B (vacuolar protein sorting 13 homolog B; plus strand). Cytogenetic location: 8q22.2.
Variant type: single nucleotide variant.
Coding change: c.1843+10T>C on transcript NM_152564.5 (MANE Select); 10 bases into the intron after coding-DNA position 1843, T replaced by C.
Molecular consequence: intron variant.
Genome position (GRCh38, 1-based): chr8:99,143,175, T>C. VCF-style: chr8-99143175-T-C. GRCh37 (hg19) VCF-style: chr8-100155403-T-C.
Other names: c.1843+10T>C (NM_152564.4, NM_017890.5, NM_015243.3).
Identifiers: ClinVar variation 361043 (VCV000361043.20), dbSNP rs371154826, ClinGen allele CA4822746.

ClinVar aggregate classification (germline): Conflicting classifications of pathogenicity. Review status: criteria provided, conflicting classifications (1 of 4 stars). 5 submissions from 5 submitters: Uncertain significance (1); Likely benign (2). 2 of the submissions do not count toward it. Last evaluated 2026-01-27.

Conditions:
VPS13B-related disorder. Also called: VPS13B-related condition.
Cohen syndrome (COH1). Also called: PEPPER SYNDROME; Cutis verticis gyrata, retinitis pigmentosa, and sensorineural deafness. Identifiers: Orphanet 193, MedGen C0265223, MONDO:0008999, OMIM 216550.

Allele frequency attached by ClinVar (database versions not stated): TOPMed 0.00009; gnomAD exomes 0.00010 and 0.00017; ExAC 0.00013; gnomAD 0.00013 and 0.00014; ESP Exome Variant Server 0.00023.
gnomAD v4.1: 258 of 1,613,844 alleles (0.016%); highest among the groups gnomAD compares: Non-Finnish European, 0.021%; no homozygotes.

Submissions (5):

Labcorp Genetics (formerly Invitae), Labcorp
Classification: Likely benign for Cohen syndrome. Last evaluated: 2026-01-27. Review status: criteria provided, single submitter. Criteria: Invitae Variant Classification Sherloc (09022015). Collection method: clinical testing. Allele origin: germline.

Blueprint Genetics
Classification: Likely benign. Last evaluated: 2024-10-31. Review status: criteria provided, single submitter. Criteria: ACMG Guidelines, 2015. Collection method: clinical testing. Allele origin: germline.

Illumina Laboratory Services, Illumina
Classification: Uncertain significance for Cohen syndrome. Last evaluated: 2018-01-13. Review status: criteria provided, single submitter. Criteria: ICSL Variant Classification Criteria 13 December 2019. Collection method: clinical testing. Allele origin: germline.

PreventionGenetics, part of Exact Sciences
Classification: Likely benign for VPS13B-related condition. Last evaluated: 2023-02-22. Review status: no assertion criteria provided. Collection method: clinical testing. Allele origin: germline. Not counted in ClinVar's aggregate classification.
Comment: This variant is classified as likely benign based on ACMG/AMP sequence variant interpretation guidelines (Richards et al. 2015 PMID: 25741868, with internal and published modifications).

Natera, Inc.
Classification: Likely benign for Cohen syndrome. Last evaluated: 2020-09-16. Review status: no assertion criteria provided. Collection method: clinical testing. Allele origin: germline. Not counted in ClinVar's aggregate classification.